The following is an entry in ClinVar:

NM_153700.2(STRC):c.3893A>G (p.His1298Arg)

Gene: STRC (stereocilin; minus strand). Cytogenetic location: 15q15.3.
Variant type: single nucleotide variant.
Coding change: c.3893A>G on transcript NM_153700.2 (MANE Select); coding-DNA position 3893, A replaced by G.
Protein change: p.His1298Arg; replaces histidine 1298 with arginine.
Molecular consequence: missense variant.
Genome position (GRCh38, 1-based): chr15:43,605,301, T>C on the plus strand (A>G on the coding strand, the complement: STRC is on the minus strand). VCF-style: chr15-43605301-T-C. GRCh37 (hg19) VCF-style: chr15-43897499-T-C.
Other names: short protein forms H1298R.
Identifiers: ClinVar variation 165312 (VCV000165312.14), dbSNP rs2920780, ClinGen allele CA178051.

ClinVar aggregate classification (germline): Benign. Review status: criteria provided, multiple submitters, no conflicts (2 of 4 stars). 8 submissions from 8 submitters: Benign (6). 2 of the submissions do not count toward it. Last evaluated 2024-11-27.

Conditions:
Autosomal recessive nonsyndromic hearing loss 16. Also called: DFNB16 Nonsyndromic Hearing Loss and Deafness; DEAFNESS, AUTOSOMAL RECESSIVE 16. Identifiers: Orphanet 90636, MedGen C1863561, MONDO:0011364, OMIM 603720.

Allele frequency attached by ClinVar (database versions not stated): gnomAD exomes 0.16118; ESP Exome Variant Server 0.21773; gnomAD 0.21824 and 0.22075; ExAC 0.24119; TOPMed 0.24479; 1000 Genomes Project 0.29093; 1000 Genomes Project 30x 0.29185.

Submissions (8):

Blueprint Genetics
Classification: Benign. Last evaluated: 2024-11-27. Review status: criteria provided, single submitter. Criteria: ACMG Guidelines, 2015. Collection method: clinical testing. Allele origin: germline.

Mayo Clinic Laboratories, Mayo Clinic
Classification: Benign. Last evaluated: 2021-05-07. Review status: criteria provided, single submitter. Criteria: ACMG Guidelines, 2015. Collection method: clinical testing. Allele origin: germline. Observed: 44 variant alleles.

GeneDx
Classification: Benign. Last evaluated: 2017-05-09. Review status: criteria provided, single submitter. Criteria: GeneDx Variant Classification (06012015). Collection method: clinical testing. Allele origin: germline. Affected: yes.
Comment: This variant is considered likely benign or benign based on one or more of the following criteria: it is a conservative change, it occurs at a poorly conserved position in the protein, it is predicted to be benign by multiple in silico algorithms, and/or has population frequency not consistent with disease.

Laboratory for Molecular Medicine, Mass General Brigham Personalized Medicine
Classification: Benign. Last evaluated: 2012-05-07. Review status: criteria provided, single submitter. Criteria: LMM Criteria. Collection method: clinical testing. Allele origin: germline. Observed: 392 variant alleles.
Comment: His1298Arg in Exon 19 of STRC: This variant is not expected to have clinical sig nificance because it has been identified in 44.6% (1663/3728) of African America n chromosomes from a broad population by the NHLBI Exome Sequencing Project (dbSNP rs2920780).

Breakthrough Genomics
Classification: Benign. Review status: criteria provided, single submitter. Criteria: ACMG Guidelines, 2015. Collection method: not provided. Allele origin: germline. Inheritance: Autosomal recessive inheritance. Affected: yes.

Genome-Nilou Lab
Classification: Benign for Autosomal recessive nonsyndromic hearing loss 16. Review status: criteria provided, single submitter. Criteria: ACMG Guidelines, 2015. Collection method: clinical testing. Allele origin: germline.

Diagnostic Laboratory, Department of Genetics, University Medical Center Groningen
Classification: Benign. Review status: no assertion criteria provided. Collection method: clinical testing. Allele origin: germline. Affected: yes. Study: VKGL Data-share Consensus. Not counted in ClinVar's aggregate classification.

Joint Genome Diagnostic Labs from Nijmegen and Maastricht, Radboudumc and MUMC+
Classification: Benign. Review status: no assertion criteria provided. Collection method: clinical testing. Allele origin: germline. Affected: yes. Study: VKGL Data-share Consensus. Not counted in ClinVar's aggregate classification.